The following is an entry in ClinVar:

ClinVar aggregate classification (germline): Likely pathogenic (1 of 4 stars; one submission).

Conditions:
Developmental and epileptic encephalopathy, 70. Also called: EPILEPTIC ENCEPHALOPATHY, EARLY INFANTILE, 70. Identifiers: MedGen C4749023, MONDO:0032663, OMIM 618298.

Submission:

Women's Health and Genetics/Laboratory Corporation of America, LabCorp
Classification: Likely pathogenic for Developmental and epileptic encephalopathy, 70. Last evaluated: 2024-02-09. Review status: criteria provided, single submitter. Criteria: LabCorp Variant Classification Summary - May 2015. Collection method: clinical testing. Allele origin: germline.
Comment: Variant summary: PHACTR1 c.190C>G (p.Arg64Gly) results in a non-conservative amino acid change in the encoded protein sequence. Four of five in-silico tools predict a damaging effect of the variant on protein function. The variant was absent in 241616 control chromosomes (gnomAD). To our knowledge, no occurrence of c.190C>G in individuals affected with Developmental And Epileptic Encephalopathy, 70 and no experimental evidence demonstrating its impact on protein function have been reported. No submitters have cited clinical-significance assessments for this variant to ClinVar. Based on the evidence outlined above, the variant was classified as likely pathogenic.

NM_030948.6(PHACTR1):c.190C>G (p.Arg64Gly)

Gene: PHACTR1 (phosphatase and actin regulator 1; plus strand). Cytogenetic location: 6p24.1.
Variant type: single nucleotide variant.
Coding change: c.190C>G on transcript NM_030948.6 (MANE Select); coding-DNA position 190, C replaced by G.
Protein change: p.Arg64Gly; replaces arginine 64 with glycine.
Molecular consequence: missense variant.
Genome position (GRCh38, 1-based): chr6:12,749,730, C>G. VCF-style: chr6-12749730-C-G. GRCh37 (hg19) VCF-style: chr6-12749962-C-G.
Other names: c.190C>G, p.Arg64Gly (NM_001242648.4, NM_001322308.3, NM_001322309.3 and 4 more transcripts); short protein forms R64G.
Identifiers: ClinVar variation 3068777 (VCV003068777.2), dbSNP rs868040089, ClinGen allele CA362857645.
Genomic context (GRCh38, chr6:12,749,730, plus strand): 5'-CCCACATTAATGGCGGCATCCTCGGAGGATGATATAGACCGGCGGCCCATCCGGAGAGTG[C>G]GCTCCAAGAGCGACACGCCGTACCTCGCAGAGGCCAGGATCTCCTTTAACCTGGGGGCAG-3'
Protein context (NP_112210.1, residues 54-74): DIDRRPIRRV[Arg64Gly]SKSDTPYLAE